The following is an entry in ClinVar:

NM_000552.5(VWF):c.4928G>T (p.Gly1643Val)

Gene: VWF (von Willebrand factor; minus strand). Cytogenetic location: 12p13.31.
Variant type: single nucleotide variant.
Coding change: c.4928G>T on transcript NM_000552.5 (MANE Select); coding-DNA position 4928, G replaced by T.
Protein change: p.Gly1643Val; replaces glycine 1643 with valine.
Molecular consequence: missense variant.
Genome position (GRCh38, 1-based): chr12:6,018,490, C>A on the plus strand (G>T on the coding strand, the complement: VWF is on the minus strand). VCF-style: chr12-6018490-C-A. GRCh37 (hg19) VCF-style: chr12-6127656-C-A.
Other names: short protein forms G1643V.
Identifiers: ClinVar variation 4689470 (VCV004689470.1).

ClinVar aggregate classification (germline): Uncertain significance (1 of 4 stars; one submission).

Submission:

Women's Health and Genetics/Laboratory Corporation of America, LabCorp
Classification: Uncertain significance. Last evaluated: 2026-01-12. Review status: criteria provided, single submitter. Criteria: LabCorp Variant Classification Summary - May 2015. Collection method: clinical testing. Allele origin: germline.
Comment: Variant summary: VWF c.4928G>T (p.Gly1643Val) results in a non-conservative amino acid change in the encoded protein sequence. Algorithms developed to predict the effect of missense changes on protein structure and function all suggest that this variant is likely to be disruptive. The variant was absent in 251306 control chromosomes. The available data on variant occurrences in the general population are insufficient to allow any conclusion about variant significance. To our knowledge, no occurrence of c.4928G>T in individuals affected with VWF-related conditions and no experimental evidence demonstrating its impact on protein function have been reported. No submitters have cited clinical-significance assessments for this variant to ClinVar. Based on the evidence outlined above, the variant was classified as uncertain significance.